The following is an entry in ClinVar:

ClinVar aggregate classification (germline): Uncertain significance (1 of 4 stars; one submission).

Conditions:
Hereditary cancer-predisposing syndrome. Also called: Neoplastic Syndromes, Hereditary; Hereditary Cancer Syndrome; Hereditary neoplastic syndrome; Tumor predisposition. Identifiers: Orphanet 140162, MedGen C0027672, MeSH D009386, MONDO:0015356.

Submission:

Ambry Genetics
Classification: Uncertain significance for Hereditary cancer-predisposing syndrome. Last evaluated: 2023-06-08. Review status: criteria provided, single submitter. Criteria: Ambry Variant Classification Scheme 2023. Collection method: clinical testing. Allele origin: germline.
Comment: The p.Y337F variant (also known as c.1010A>T), located in coding exon 9 of the CHEK2 gene, results from an A to T substitution at nucleotide position 1010. The tyrosine at codon 337 is replaced by phenylalanine, an amino acid with highly similar properties. This amino acid position is conserved. In addition, the in silico prediction for this alteration is inconclusive. Since supporting evidence is limited at this time, the clinical significance of this alteration remains unclear.

NM_007194.4(CHEK2):c.1010A>T (p.Tyr337Phe)

Gene: CHEK2 (checkpoint kinase 2; minus strand). Cytogenetic location: 22q12.1.
Variant type: single nucleotide variant.
Coding change: c.1010A>T on transcript NM_007194.4 (MANE Select); coding-DNA position 1010, A replaced by T.
Protein change: p.Tyr337Phe; replaces tyrosine 337 with phenylalanine.
Molecular consequence: missense variant. On other transcripts: intron variant (3).
Genome position (GRCh38, 1-based): chr22:28,696,986, T>A on the plus strand (A>T on the coding strand, the complement: CHEK2 is on the minus strand). VCF-style: chr22-28696986-T-A. GRCh37 (hg19) VCF-style: chr22-29092974-T-A.
Other names: c.1139A>T, p.Tyr380Phe (NM_001005735.3); c.347A>T, p.Tyr116Phe (NM_001257387.3, NM_001437942.1); c.809A>T, p.Tyr270Phe (NM_001349956.3); c.1103A>T, p.Tyr368Phe (NM_001438293.1); c.1009-1113A>T (NM_145862.3); c.1102-1113A>T (NM_001438295.1); c.1138-1113A>T (NM_001438294.1); short protein forms Y116F, Y380F, Y270F, Y337F, Y368F.
Identifiers: ClinVar variation 2566552 (VCV002566552.2), dbSNP rs1555914376, ClinGen allele CA411097854.
Genomic context (GRCh38, chr22:28,696,986, plus strand): 5'-GATGACAGTAAAACATTCTCTGGCTTTAAGTCACGGTGTATAATACCGTTTTCATGAAGG[T>A]ACTACACAGAAAGGCAGGCATGACCCTCAGATTCATGCAGTAGATACTTAAGTAGAATCA-3'
Protein context (NP_009125.1, residues 327-347): YFYQMLLAVQ[Tyr337Phe]LHENGIIHRD